The following is an entry in ClinVar:

NM_004369.4(COL6A3):c.6408G>A (p.Arg2136=)

Gene: COL6A3 (collagen type VI alpha 3 chain; minus strand). Cytogenetic location: 2q37.3.
Variant type: single nucleotide variant.
Coding change: c.6408G>A on transcript NM_004369.4 (MANE Select); coding-DNA position 6408, G replaced by A.
Protein change: p.Arg2136=; no amino-acid change (arginine 2136 retained).
Molecular consequence: synonymous variant.
Genome position (GRCh38, 1-based): chr2:237,359,035, C>T on the plus strand (G>A on the coding strand, the complement: COL6A3 is on the minus strand). VCF-style: chr2-237359035-C-T. GRCh37 (hg19) VCF-style: chr2-238267678-C-T.
Other names: c.4587G>A, p.Arg1529= (NM_057166.5); c.5790G>A, p.Arg1930= (NM_057167.4).
Identifiers: ClinVar variation 3621692 (VCV003621692.2).
Genomic context (GRCh38, chr2:237,359,035, plus strand): 5'-TTCCCTAAATGAAATGTTGATATTCTTTCCATAATAGCACCACCGTGGAAATACACCTAC[C>T]CTTCTTCCAGGATTCCCTTTCTCTCCAGAAGAACCAGGCAATCCTTTGTCTCCCTGCCAA-3'
Protein context (NP_004360.2, residues 2126-2146): SSGEKGNPGR[Arg2136=]GDKGPRGEKG

ClinVar aggregate classification (germline): Uncertain significance (1 of 4 stars; one submission).

Conditions:
Bethlem myopathy 1A. Also called: Bethlem myopathy 1; MYOPATHY, BENIGN CONGENITAL, WITH CONTRACTURES; Bethlem Muscular Dystrophy. Identifiers: Orphanet 610, MedGen CN029274, MONDO:0024530, OMIM 158810.

gnomAD v4.1: 5 of 1,613,728 alleles (0.00031%); highest among the groups gnomAD compares: Middle Eastern, 0.033%; no homozygotes.

Submission:

Labcorp Genetics (formerly Invitae), Labcorp
Classification: Uncertain significance for Bethlem myopathy 1A. Last evaluated: 2024-08-06. Review status: criteria provided, single submitter. Criteria: Invitae Variant Classification Sherloc (09022015). Collection method: clinical testing. Allele origin: germline.
Comment: This sequence change affects codon 2136 of the COL6A3 mRNA. It is a 'silent' change, meaning that it does not change the encoded amino acid sequence of the COL6A3 protein. This variant also falls at the last nucleotide of exon 20, which is part of the consensus splice site for this exon. This variant is not present in population databases (gnomAD no frequency). This variant has not been reported in the literature in individuals affected with COL6A3-related conditions. Variants that disrupt the consensus splice site are a relatively common cause of aberrant splicing (PMID: 17576681, 9536098). Algorithms developed to predict the effect of sequence changes on RNA splicing suggest that this variant may disrupt the consensus splice site. In summary, the available evidence is currently insufficient to determine the role of this variant in disease. Therefore, it has been classified as a Variant of Uncertain Significance.

Literature cited by the submitters: PubMed 17576681; PubMed 9536098.